The following is an entry in ClinVar:

ClinVar aggregate classification (germline): Conflicting classifications of pathogenicity. Review status: criteria provided, conflicting classifications (1 of 4 stars). 3 submissions from 3 submitters: Uncertain significance (1); Likely benign (2). Last evaluated 2024-06-05.

Conditions:
Hereditary cancer-predisposing syndrome. Also called: Hereditary neoplastic syndrome; Tumor predisposition; Neoplastic Syndromes, Hereditary; Hereditary Cancer Syndrome. Identifiers: Orphanet 140162, MedGen C0027672, MeSH D009386, MONDO:0015356.

Allele frequency attached by ClinVar (database versions not stated): TOPMed below 0.00001.

Submissions (3):

Ambry Genetics
Classification: Likely benign for Hereditary cancer-predisposing syndrome. Last evaluated: 2024-06-05. Review status: criteria provided, single submitter. Criteria: Ambry Variant Classification Scheme 2023. Collection method: clinical testing. Allele origin: germline.

University of Washington Department of Laboratory Medicine, University of Washington
Classification: Likely benign for Hereditary cancer-predisposing syndrome. Last evaluated: 2023-03-23. Review status: criteria provided, single submitter. Criteria: Dines et al. (Genet Med. 2020). Collection method: curation. Allele origin: germline.
Comment: Missense variant in a coldspot region where missense variants are very unlikely to be pathogenic (PMID:31911673).

BRCA2 exon 10 coldspot. Reclassification based on statistical prior probability.

Women's Health and Genetics/Laboratory Corporation of America, LabCorp
Classification: Uncertain significance. Last evaluated: 2022-05-23. Review status: criteria provided, single submitter. Criteria: LabCorp Variant Classification Summary - May 2015. Collection method: clinical testing. Allele origin: germline.
Comment: Variant summary: BRCA2 c.1063G>C (p.Val355Leu) results in a conservative amino acid change in the encoded protein sequence. Five of five in-silico tools predict a benign effect of the variant on protein function. The variant was absent in 249214 control chromosomes. The available data on variant occurrences in the general population are insufficient to allow any conclusion about variant significance. c.1036G>C has been reported in the literature in a lung cancer cell line (Teng_1996). However to our knowledge, no occurrence of c.1063G>C in individuals affected with Hereditary Breast And Ovarian Cancer Syndrome and no experimental evidence demonstrating its impact on protein function have been reported. No clinical diagnostic laboratories have submitted clinical-significance assessments for this variant to ClinVar after 2014. Based on the evidence outlined above, the variant was classified as uncertain significance.

Literature cited by the submitters: PubMed 8640236 (cited by Women's Health and Genetics/Laboratory Corporation of America, LabCorp).

NM_000059.4(BRCA2):c.1063G>C (p.Val355Leu)

Gene: BRCA2 (BRCA2 DNA repair associated; plus strand). Cytogenetic location: 13q13.1.
Variant type: single nucleotide variant.
Coding change: c.1063G>C on transcript NM_000059.4 (MANE Select); coding-DNA position 1063, G replaced by C.
Protein change: p.Val355Leu; replaces valine 355 with leucine.
Molecular consequence: missense variant.
Genome position (GRCh38, 1-based): chr13:32,332,541, G>C. VCF-style: chr13-32332541-G-C. GRCh37 (hg19) VCF-style: chr13-32906678-G-C.
Other names: short protein forms V355L.
Identifiers: ClinVar variation 1696066 (VCV001696066.4), dbSNP rs2072403612, ClinGen allele CA387761357.